The following is an entry in ClinVar:

ClinVar aggregate classification (germline): Likely benign (1 of 4 stars; one submission).

Conditions:
GOSR2-related disorder. Also called: GOSR2-related disorders; GOSR2-related condition.

gnomAD v4.1: 12 of 1,613,806 alleles (0.00074%); highest among the groups gnomAD compares: South Asian, 0.0077%; no homozygotes.

Submission:

PreventionGenetics, part of Exact Sciences
Classification: Likely benign for GOSR2-related condition. Last evaluated: 2025-08-06. Review status: criteria provided, single submitter. Criteria: ACMG Guidelines, 2015. Collection method: clinical testing. Allele origin: germline.
Comment: This variant is classified as likely benign based on ACMG/AMP sequence variant interpretation guidelines (Richards et al. 2015 PMID: 25741868, with internal and published modifications).

NM_004287.5(GOSR2):c.*9C>T

Genes: GOSR2 (golgi SNAP receptor complex member 2; plus strand), LRRC37A2 (leucine rich repeat containing 37 member A2). Cytogenetic location: 17q21.32.
Variant type: single nucleotide variant.
Coding change: c.*9C>T on transcript NM_004287.5 (MANE Select); 9 bases downstream of the stop codon, C replaced by T.
Molecular consequence: 3 prime UTR variant. On other transcripts: intron variant (3).
Genome position (GRCh38, 1-based): chr17:46,938,769, C>T. VCF-style: chr17-46938769-C-T. GRCh37 (hg19) VCF-style: chr17-45016135-C-T.
Other names: c.*9C>T (NM_001321134.2, NM_001330252.2, NM_001353114.2 and 2 more transcripts); c.583+65C>T (NM_001321133.2, NM_054022.4); c.439+65C>T (NM_001353116.2).
Identifiers: ClinVar variation 4979876 (VCV004979876.1).
Genomic context (GRCh38, chr17:46,938,769, plus strand): 5'-GATGCTGCTGACCTGTGTGGTCATGTTCCTCGTGGTGCAGTACCTGACATGAGCCAGCCA[C>T]GCTCAGTGGCTGAACAGCATTCCCACAGCCTGCAAGTGTGTGTGTGTGTGAAAGAGAGAG-3'